The following is an entry in ClinVar:

NM_152743.4(BRAT1):c.1083_1095del (p.Gly363fs)

Gene: BRAT1 (BRCA1 associated ATM activator 1; minus strand). Cytogenetic location: 7p22.3.
Variant type: Deletion.
Coding change: c.1083_1095del on transcript NM_152743.4 (MANE Select); coding-DNA positions 1083 to 1095, 13 bases deleted (CGCCGGCCTCCTG).
Protein change: p.Gly363fs; shifts the reading frame from glycine 363.
Molecular consequence: frameshift variant. On other transcripts: non-coding transcript variant (1).
Genome position (GRCh38, 1-based): chr7:2,541,757-2,541,769, CAGGAGGCCGGCG deleted on the plus strand (CGCCGGCCTCCTG on the coding strand, the reverse complement: BRAT1 is on the minus strand); deleting any 13 consecutive bases within chr7:2,541,757-2,541,774 gives the same sequence; the c. name uses the placement nearest the transcript's 3' end. VCF-style (leftmost placement, unchanged base first): chr7-2541756-ACAGGAGGCCGGCG-A. GRCh37 (hg19) VCF-style: chr7-2581390-ACAGGAGGCCGGCG-A.
Other names: c.1083_1095del, p.Gly363fs (NM_001350626.2); c.558_570del, p.Gly188fs (NM_001350627.2); short protein forms G188fs, G363fs.
Identifiers: ClinVar variation 1356724 (VCV001356724.6), dbSNP rs1188555703, ClinGen allele CA572357873.

ClinVar aggregate classification (germline): Pathogenic (1 of 4 stars; one submission).

Conditions:
Neonatal-onset encephalopathy with rigidity and seizures. Also called: Lethal neonatal spasticity-epileptic encephalopathy syndrome. Identifiers: Orphanet 435845, MedGen C3281029, MONDO:0013784, OMIM 614498.

Submission:

Labcorp Genetics (formerly Invitae), Labcorp
Classification: Pathogenic for Neonatal-onset encephalopathy with rigidity and seizures. Last evaluated: 2021-07-28. Review status: criteria provided, single submitter. Criteria: Invitae Variant Classification Sherloc (09022015). Collection method: clinical testing. Allele origin: germline.
Comment: For these reasons, this variant has been classified as Pathogenic. This variant has not been reported in the literature in individuals affected with BRAT1-related conditions. This variant is not present in population databases (ExAC no frequency). This sequence change creates a premature translational stop signal (p.Gly363Alafs*29) in the BRAT1 gene. It is expected to result in an absent or disrupted protein product. Loss-of-function variants in BRAT1 are known to be pathogenic (PMID: 22279524, 25500575).

Literature cited by the submitters: PubMed 22279524; PubMed 25500575.